The following is an entry in ClinVar:

NM_000542.5(SFTPB):c.1122G>A (p.Gln374=)

Gene: SFTPB (surfactant protein B; minus strand). Cytogenetic location: 2p11.2.
Variant type: single nucleotide variant.
Coding change: c.1122G>A on transcript NM_000542.5 (MANE Select); coding-DNA position 1122, G replaced by A.
Protein change: p.Gln374=; no amino-acid change (glutamine 374 retained).
Molecular consequence: synonymous variant. On other transcripts: intron variant (1).
Genome position (GRCh38, 1-based): chr2:85,661,497, C>T on the plus strand (G>A on the coding strand, the complement: SFTPB is on the minus strand). VCF-style: chr2-85661497-C-T. GRCh37 (hg19) VCF-style: chr2-85888620-C-T.
Other names: c.1122G>A, p.Gln374= (NM_198843.4); c.1002+1849G>A (NM_001367281.1).
Identifiers: ClinVar variation 3366907 (VCV003366907.2).

ClinVar aggregate classification (germline): Uncertain significance. Review status: criteria provided, multiple submitters, no conflicts (2 of 4 stars). 2 submissions from 2 submitters: Uncertain significance (2). Last evaluated 2026-07-01.

Conditions:
Surfactant metabolism dysfunction, pulmonary, 1. Also called: INTERSTITIAL LUNG DISEASE DUE TO SURFACTANT PROTEIN B DEFICIENCY; INTERSTITIAL LUNG DISEASE, NONSPECIFIC, DUE TO SURFACTANT PROTEIN B DEFICIENCY; PULMONARY ALVEOLAR PROTEINOSIS, CONGENITAL, 1; Pulmonary surfactant protein B, deficiency of; Neonatal acute respiratory distress due to SP-B deficiency. Identifiers: Orphanet 217563, MedGen C1968602, MONDO:0009929, OMIM 265120.

Submissions (2):

CeGaT Center for Human Genetics Tuebingen
Classification: Uncertain significance. Last evaluated: 2026-07-01. Review status: criteria provided, single submitter. Criteria: CeGaT Center For Human Genetics Tuebingen Variant Classification Criteria Version 2. Collection method: clinical testing. Allele origin: germline. Affected: yes. Observed: 1 variant allele.
Comment: SFTPB: PM2:Supporting

Department of Human Genetics, Hannover Medical School
Classification: Uncertain significance for Surfactant metabolism dysfunction, pulmonary, 1. Last evaluated: 2024-10-25. Review status: criteria provided, single submitter. Criteria: ACMG Guidelines, 2015. Collection method: clinical testing. Allele origin: germline. Affected: yes.
Comment: ACMG: PM2_Supporting, PP3